The following is an entry in ClinVar:

ClinVar aggregate classification (germline): Uncertain significance (1 of 4 stars; one submission).

gnomAD v4.1: 5 of 1,611,026 alleles (0.00031%); highest among the groups gnomAD compares: Non-Finnish European, 0.00042%; no homozygotes.

Submission:

Labcorp Genetics (formerly Invitae), Labcorp
Classification: Uncertain significance. Last evaluated: 2026-01-21. Review status: criteria provided, single submitter. Criteria: Invitae Variant Classification Sherloc (09022015). Collection method: clinical testing. Allele origin: germline.
Comment: This sequence change replaces glutamine, which is neutral and polar, with glutamic acid, which is acidic and polar, at codon 517 of the DDX58 protein (p.Gln517Glu). This variant is present in population databases (no rsID available, gnomAD 0.0009%). This variant has not been reported in the literature in individuals affected with DDX58-related conditions. Invitae Evidence Modeling of protein sequence and biophysical properties (such as structural, functional, and spatial information, amino acid conservation, physicochemical variation, residue mobility, and thermodynamic stability) indicates that this missense variant is not expected to disrupt DDX58 protein function with a negative predictive value of 80%. In summary, the available evidence is currently insufficient to determine the role of this variant in disease. Therefore, it has been classified as a Variant of Uncertain Significance.

NM_014314.4(RIGI):c.1549C>G (p.Gln517Glu)

Gene: RIGI (RNA sensor RIG-I; minus strand). Cytogenetic location: 9p21.1.
Variant type: single nucleotide variant.
Coding change: c.1549C>G on transcript NM_014314.4 (MANE Select); coding-DNA position 1549, C replaced by G.
Protein change: p.Gln517Glu; replaces glutamine 517 with glutamic acid.
Molecular consequence: missense variant.
Genome position (GRCh38, 1-based): chr9:32,481,429, G>C on the plus strand (C>G on the coding strand, the complement: RIGI is on the minus strand). VCF-style: chr9-32481429-G-C. GRCh37 (hg19) VCF-style: chr9-32481427-G-C.
Other names: c.1543C>G, p.Gln515Glu (NM_001385907.1); c.1549C>G, p.Gln517Glu (NM_001385909.1); c.1108C>G, p.Gln370Glu (NM_001385910.1); c.940C>G, p.Gln314Glu (NM_001385912.1); c.1534C>G, p.Gln512Glu (NM_001385913.1); c.1105C>G, p.Gln369Glu (NM_001385914.1); short protein forms Q369E, Q370E, Q517E, Q314E, Q512E, Q515E.
Identifiers: ClinVar variation 4773863 (VCV004773863.1).
Genomic context (GRCh38, chr9:32,481,429, plus strand): 5'-CTTTACAAATCCTGCTCTCTTCATCTTTGTCTGGCATCTGGAACACCATGCATGCTTTCT[G>C]AACTGTAACAATCCATTGTTCATATTTCTGTGTTCCAAATTCCCTATTTTGAATTTGAGA-3'
Protein context (NP_055129.2, residues 507-527): QKYEQWIVTV[Gln517Glu]KACMVFQMPD